The following is an entry in ClinVar:

ClinVar aggregate classification (germline): Uncertain significance. Review status: criteria provided, multiple submitters, no conflicts (2 of 4 stars). 5 submissions from 3 submitters: Uncertain significance (5). Last evaluated 2022-04-07.

Conditions:
Maturity-onset diabetes of the young (MODY). Also called: Maturity onset diabetes mellitus in young. Identifiers: Orphanet 552, MedGen C0342276, MONDO:0018911, HP:0004904.
Maturity-onset diabetes of the young type 13. Also called: MODY, TYPE 13. Identifiers: Orphanet 552, MedGen C4225365, MONDO:0014589, OMIM 616329.
Diabetes mellitus, permanent neonatal 2. Also called: KCNJ11-Related Permanent Neonatal Diabetes Mellitus. Identifiers: MedGen C5394296, MONDO:0030087, OMIM 618856.
Hyperinsulinemic hypoglycemia, familial, 2. Also called: HYPERINSULINEMIC HYPOGLYCEMIA, PERSISTENT; HYPERINSULINISM, NEONATAL. Identifiers: Orphanet 276580, Orphanet 276603, MedGen C2931833, MONDO:0011153, OMIM 601820. Disease mechanism: loss of function.
Diabetes mellitus, transient neonatal, 3 (TNDM3). Identifiers: Orphanet 99886, MedGen C1864623, MONDO:0012522, OMIM 610582. Disease mechanism: loss of function.
Type 2 diabetes mellitus. Also called: Type II diabetes mellitus. Identifiers: MedGen C0011860, MeSH D003924, MONDO:0005148, OMIM 125853, HP:0005978.

Allele frequency attached by ClinVar (database versions not stated): gnomAD exomes below 0.00001.

Submissions (5):

Fulgent Genetics
Classification: Uncertain significance for Type 2 diabetes mellitus; Hyperinsulinemic hypoglycemia, familial, 2; Diabetes mellitus, transient neonatal, 3; Maturity-onset diabetes of the young type 13; Diabetes mellitus, permanent neonatal 2. Last evaluated: 2022-04-07. Review status: criteria provided, single submitter. Criteria: ACMG Guidelines, 2015. Collection method: clinical testing. Allele origin: unknown.

Illumina Laboratory Services, Illumina
Classification: Uncertain significance for Hyperinsulinemic hypoglycemia, familial, 2. Last evaluated: 2018-01-13. Review status: criteria provided, single submitter. Criteria: ICSL Variant Classification Criteria 13 December 2019. Collection method: clinical testing. Allele origin: germline.

Illumina Laboratory Services, Illumina
Classification: Uncertain significance for Diabetes mellitus, transient neonatal, 3. Last evaluated: 2018-01-13. Review status: criteria provided, single submitter. Criteria: ICSL Variant Classification Criteria 13 December 2019. Collection method: clinical testing. Allele origin: germline.

Illumina Laboratory Services, Illumina
Classification: Uncertain significance for Maturity-onset diabetes of the young type 13. Last evaluated: 2018-01-13. Review status: criteria provided, single submitter. Criteria: ICSL Variant Classification Criteria 13 December 2019. Collection method: clinical testing. Allele origin: germline.

Clinical Genomics, Uppaluri K&H Personalized Medicine Clinic
Classification: Uncertain significance for Maturity-onset diabetes of the young. Review status: criteria provided, single submitter. Criteria: K & H Uppaluri Personalized Medicine Clinic Variant Classification & Assertion Criteria_Updated V.1. Collection method: research. Allele origin: somatic. Inheritance: Autosomal dominant inheritance.
Comment: Mutations in KCNJ11 gene can cause decreased production and secretion of insulin. This can lead to MODY which may be responsive to oral sulfonylureas. It is also associated with Neonatal Diabetes. However, no sufficient evidence is found to ascertain role of this particular variant (rs886048043) in MODY yet.

Literature cited by the submitters: PubMed 26448950 (cited by Clinical Genomics, Uppaluri K&H Personalized Medicine Clinic); PubMed 15580558 (cited by Clinical Genomics, Uppaluri K&H Personalized Medicine Clinic); PubMed 15718250 (cited by Clinical Genomics, Uppaluri K&H Personalized Medicine Clinic); PubMed 32935446 (cited by Clinical Genomics, Uppaluri K&H Personalized Medicine Clinic); PubMed 22701567 (cited by Clinical Genomics, Uppaluri K&H Personalized Medicine Clinic).

NM_000525.4(KCNJ11):c.-150G>A

Gene: KCNJ11 (potassium inwardly rectifying channel subfamily J member 11; minus strand). Cytogenetic location: 11p15.1.
Variant type: single nucleotide variant.
Coding change: c.-150G>A on transcript NM_000525.4 (MANE Select); 150 bases upstream of the start codon, G replaced by A.
Molecular consequence: 5 prime UTR variant. On other transcripts: intron variant (3).
Genome position (GRCh38, 1-based): chr11:17,388,241, C>T on the plus strand (G>A on the coding strand, the complement: KCNJ11 is on the minus strand). VCF-style: chr11-17388241-C-T. GRCh37 (hg19) VCF-style: chr11-17409788-C-T.
Other names: c.-16-395G>A (NM_001166290.2, NM_001377297.1); c.-75-165G>A (NM_001377296.1).
Identifiers: ClinVar variation 303739 (VCV000303739.7), dbSNP rs886048043, ClinGen allele CA10630461.